The following is an entry in ClinVar:

NM_000417.3(IL2RA):c.*1024G>A

Gene: IL2RA (interleukin 2 receptor subunit alpha; minus strand). Cytogenetic location: 10p15.1.
Variant type: single nucleotide variant.
Coding change: c.*1024G>A on transcript NM_000417.3 (MANE Select); 1024 bases downstream of the stop codon, G replaced by A.
Molecular consequence: 3 prime UTR variant.
Genome position (GRCh38, 1-based): chr10:6,011,848, C>T on the plus strand (G>A on the coding strand, the complement: IL2RA is on the minus strand). VCF-style: chr10-6011848-C-T. GRCh37 (hg19) VCF-style: chr10-6053811-C-T.
Other names: c.*1024G>A (NM_001308242.2, NM_001308243.2).
Identifiers: ClinVar variation 878563 (VCV000878563.4), dbSNP rs12722718, ClinGen allele CA202288217.

ClinVar aggregate classification (germline): Benign (1 of 4 stars; one submission).

Conditions:
Immunodeficiency due to CD25 deficiency. Also called: CD25 DEFICIENCY; IL2RA DEFICIENCY; IMMUNODEFICIENCY 41 WITH LYMPHOPROLIFERATION AND AUTOIMMUNITY. Identifiers: Orphanet 169100, MedGen C1853392, MONDO:0011664, OMIM 606367.

Allele frequency attached by ClinVar (database versions not stated): 1000 Genomes Project 0.00659; 1000 Genomes Project 30x 0.00718; gnomAD 0.00719 and 0.00760; TOPMed 0.00757.

Submission:

Illumina Laboratory Services, Illumina
Classification: Benign for Immunodeficiency due to CD25 deficiency. Last evaluated: 2017-04-27. Review status: criteria provided, single submitter. Criteria: ICSL Variant Classification Criteria 13 December 2019. Collection method: clinical testing. Allele origin: germline.
Comment: This variant was observed as part of a predisposition screen in an ostensibly healthy population. A literature search was performed for the gene, cDNA change, and amino acid change (where applicable). No publications were found based on this search. Allele frequency data from public databases was too high to be consistent with this variant causing disease. Therefore, this variant is classified as benign.